The following is an entry in ClinVar:

ClinVar aggregate classification (germline): Uncertain significance (1 of 4 stars; one submission).

Conditions:
Muscular dystrophy-dystroglycanopathy type B6 (MDDGB6). Also called: MUSCULAR DYSTROPHY, CONGENITAL, LARGE-RELATED; MUSCULAR DYSTROPHY, CONGENITAL, TYPE 1D; MUSCULAR DYSTROPHY-DYSTROGLYCANOPATHY (CONGENITAL WITH IMPAIRED INTELLECTUAL DEVELOPMENT), TYPE B, 6. Identifiers: MedGen C1837229, MONDO:0012138, OMIM 608840.

Allele frequency attached by ClinVar (database versions not stated): gnomAD exomes 0.00001; TOPMed 0.00001.
gnomAD v4.1: 3 of 1,613,650 alleles (0.00019%); highest among the groups gnomAD compares: Admixed American, 0.005%; no homozygotes.

Submission:

Labcorp Genetics (formerly Invitae), Labcorp
Classification: Uncertain significance for Muscular dystrophy-dystroglycanopathy type B6. Last evaluated: 2022-03-18. Review status: criteria provided, single submitter. Criteria: Invitae Variant Classification Sherloc (09022015). Collection method: clinical testing. Allele origin: germline.
Comment: This sequence change replaces glutamine, which is neutral and polar, with histidine, which is basic and polar, at codon 433 of the LARGE1 protein (p.Gln433His). This variant is present in population databases (no rsID available, gnomAD 0.006%). This variant has not been reported in the literature in individuals affected with LARGE1-related conditions. ClinVar contains an entry for this variant (Variation ID: 837555). Algorithms developed to predict the effect of missense changes on protein structure and function (SIFT, PolyPhen-2, Align-GVGD) all suggest that this variant is likely to be tolerated. In summary, the available evidence is currently insufficient to determine the role of this variant in disease. Therefore, it has been classified as a Variant of Uncertain Significance.

NM_133642.5(LARGE1):c.1299G>T (p.Gln433His)

Gene: LARGE1 (LARGE xylosyl- and glucuronyltransferase 1; minus strand). Cytogenetic location: 22q12.3.
Variant type: single nucleotide variant.
Coding change: c.1299G>T on transcript NM_133642.5 (MANE Select); coding-DNA position 1299, G replaced by T.
Protein change: p.Gln433His; replaces glutamine 433 with histidine.
Molecular consequence: missense variant.
Genome position (GRCh38, 1-based): chr22:33,316,237, C>A on the plus strand (G>T on the coding strand, the complement: LARGE1 is on the minus strand). VCF-style: chr22-33316237-C-A. GRCh37 (hg19) VCF-style: chr22-33712223-C-A.
Other names: c.1299G>T, p.Gln433His (NM_001362949.2, NM_001362951.2, NM_001362953.2 and 6 more transcripts); c.1143G>T, p.Gln381His (NM_001378629.1); c.696G>T, p.Gln232His (NM_001378630.1); c.540G>T, p.Gln180His (NM_001378631.1); short protein forms Q180H, Q433H, Q232H, Q381H.
Identifiers: ClinVar variation 837555 (VCV000837555.7), dbSNP rs1463323644, ClinGen allele CA411541541.